The following is an entry in ClinVar:

ClinVar aggregate classification (germline): Uncertain significance (1 of 4 stars; one submission).

Conditions:
Ehlers-Danlos syndrome, classic type, 1 (EDSCL1). Also called: EHLERS-DANLOS SYNDROME, GRAVIS TYPE; EHLERS-DANLOS SYNDROME, SEVERE CLASSIC TYPE; Ehlers-Danlos syndrome, type 1; Ehlers-Danlos Syndrome, Classic Type, COL5A1-Related; EDS I. Identifiers: MedGen C0268335, MONDO:0019567, OMIM 130000.

Submission:

Labcorp Genetics (formerly Invitae), Labcorp
Classification: Uncertain significance for Ehlers-Danlos syndrome, classic type, 1. Last evaluated: 2023-12-06. Review status: criteria provided, single submitter. Criteria: Invitae Variant Classification Sherloc (09022015). Collection method: clinical testing. Allele origin: germline.
Comment: This sequence change replaces proline, which is neutral and non-polar, with serine, which is neutral and polar, at codon 1029 of the COL5A1 protein (p.Pro1029Ser). This variant is not present in population databases (gnomAD no frequency). This variant has not been reported in the literature in individuals affected with COL5A1-related conditions. Advanced modeling of protein sequence and biophysical properties (such as structural, functional, and spatial information, amino acid conservation, physicochemical variation, residue mobility, and thermodynamic stability) performed at Invitae indicates that this missense variant is not expected to disrupt COL5A1 protein function with a negative predictive value of 95%. In summary, the available evidence is currently insufficient to determine the role of this variant in disease. Therefore, it has been classified as a Variant of Uncertain Significance.

NM_000093.5(COL5A1):c.3085C>T (p.Pro1029Ser)

Gene: COL5A1 (collagen type V alpha 1 chain; plus strand). Cytogenetic location: 9q34.3.
Variant type: single nucleotide variant.
Coding change: c.3085C>T on transcript NM_000093.5 (MANE Select); coding-DNA position 3085, C replaced by T.
Protein change: p.Pro1029Ser; replaces proline 1029 with serine.
Molecular consequence: missense variant.
Genome position (GRCh38, 1-based): chr9:134,802,966, C>T. VCF-style: chr9-134802966-C-T. GRCh37 (hg19) VCF-style: chr9-137694812-C-T.
Other names: c.3085C>T, p.Pro1029Ser (NM_001278074.1); short protein forms P1029S.
Identifiers: ClinVar variation 2692958 (VCV002692958.3), dbSNP rs2490789300, ClinGen allele CA375448415.
Genomic context (GRCh38, chr9:134,802,966, plus strand): 5'-GGCCCAATGGGTGAGCGTGGCCACCCTGGGCCCCCTGGACCCCCCGGTGAACAGGGGCTT[C>T]CGGGCCTTGCTGGAAAAGAAGGGACGAAGGTGAGTTTCTGGAGCCTTCTGTGTCAGCTCA-3'
Protein context (NP_000084.3, residues 1019-1039): PPGPPGEQGL[Pro1029Ser]GLAGKEGTKG